The following is an entry in ClinVar:

ClinVar aggregate classification (germline): Uncertain significance (1 of 4 stars; one submission).

Conditions:
PITPNM3-related disorder. Also called: PITPNM3-related condition.

Submission:

PreventionGenetics, part of Exact Sciences
Classification: Uncertain significance for PITPNM3-related condition. Last evaluated: 2022-12-19. Review status: criteria provided, single submitter. Criteria: ACMG Guidelines, 2015. Collection method: clinical testing. Allele origin: germline.
Comment: The PITPNM3 c.2756A>G variant is predicted to result in the amino acid substitution p.Lys919Arg. To our knowledge, this variant has not been reported in the literature or in a large population database, indicating this variant is rare. At this time, the clinical significance of this variant is uncertain due to the absence of conclusive functional and genetic evidence.

NM_031220.4(PITPNM3):c.2756A>G (p.Lys919Arg)

Gene: PITPNM3 (PITPNM family member 3; minus strand). Cytogenetic location: 17p13.2.
Variant type: single nucleotide variant.
Coding change: c.2756A>G on transcript NM_031220.4 (MANE Select); coding-DNA position 2756, A replaced by G.
Protein change: p.Lys919Arg; replaces lysine 919 with arginine.
Molecular consequence: missense variant.
Genome position (GRCh38, 1-based): chr17:6,455,507, T>C on the plus strand (A>G on the coding strand, the complement: PITPNM3 is on the minus strand). VCF-style: chr17-6455507-T-C. GRCh37 (hg19) VCF-style: chr17-6358827-T-C.
Other names: c.2648A>G, p.Lys883Arg (NM_001165966.2); short protein forms K883R, K919R.
Identifiers: ClinVar variation 2635397 (VCV002635397.1), dbSNP rs2543962672, ClinGen allele CA397400268.
Genomic context (GRCh38, chr17:6,455,507, plus strand): 5'-GGGTTGGCGGCGGGCGGGTCGGGCTGCTGCACTGACATGGTTCTGCGCAGGTGGTTGCGC[T>C]TCCGCAGGAACTCTGGCTGCGCGTGCAGCCCGAAGCTGCCCTTGCGCAGGATCATGCGCG-3'
Protein context (NP_112497.2, residues 909-929): GLHAQPEFLR[Lys919Arg]RNHLRRTMSV